The following is an entry in ClinVar:

NM_006648.4(WNK2):c.3550G>T (p.Ala1184Ser)

Gene: WNK2 (WNK lysine deficient protein kinase 2; plus strand). Cytogenetic location: 9q22.31.
Variant type: single nucleotide variant.
Coding change: c.3550G>T on transcript NM_006648.4 (MANE Select); coding-DNA position 3550, G replaced by T.
Protein change: p.Ala1184Ser; replaces alanine 1184 with serine.
Molecular consequence: missense variant.
Genome position (GRCh38, 1-based): chr9:93,263,705, G>T. VCF-style: chr9-93263705-G-T. GRCh37 (hg19) VCF-style: chr9-96025987-G-T.
Other names: c.3550G>T, p.Ala1184Ser (NM_001282394.3); short protein forms A1184S.
Identifiers: ClinVar variation 3982179 (VCV003982179.1).

ClinVar aggregate classification (germline): Uncertain significance (1 of 4 stars; one submission).

Submission:

Ambry Genetics
Classification: Uncertain significance. Last evaluated: 2025-06-06. Review status: criteria provided, single submitter. Criteria: Ambry Variant Classification Scheme 2023. Collection method: clinical testing. Allele origin: germline.
Comment: The p.A1184S variant (also known as c.3550G>T), located in coding exon 14 of the WNK2 gene, results from a G to T substitution at nucleotide position 3550. The alanine at codon 1184 is replaced by serine, an amino acid with similar properties. This amino acid position is conserved. In addition, this alteration is predicted to be tolerated by in silico analysis. Based on the available evidence, the clinical significance of this variant remains unclear.